The following is an entry in ClinVar:

ClinVar aggregate classification (germline): Uncertain significance (1 of 4 stars; one submission).

Conditions:
Inborn genetic diseases. Identifiers: MedGen C0950123, MeSH D030342.

gnomAD v4.1: 5 of 1,563,120 alleles (0.00032%); highest among the groups gnomAD compares: Non-Finnish European, 0.00043%; no homozygotes.

Submission:

Ambry Genetics
Classification: Uncertain significance for Inborn genetic diseases. Last evaluated: 2024-12-23. Review status: criteria provided, single submitter. Criteria: Ambry Variant Classification Scheme 2023. Collection method: clinical testing. Allele origin: germline.
Comment: The p.P96A variant (also known as c.286C>G), located in coding exon 1 of the KDM1A gene, results from a C to G substitution at nucleotide position 286. The proline at codon 96 is replaced by alanine, an amino acid with highly similar properties. This amino acid position is conserved. In addition, this alteration is predicted to be tolerated by in silico analysis. Based on the available evidence, the clinical significance of this variant remains unclear.

NM_001009999.3(KDM1A):c.286C>G (p.Pro96Ala)

Gene: KDM1A (lysine demethylase 1A; plus strand). Cytogenetic location: 1p36.12.
Variant type: single nucleotide variant.
Coding change: c.286C>G on transcript NM_001009999.3 (MANE Select); coding-DNA position 286, C replaced by G.
Protein change: p.Pro96Ala; replaces proline 96 with alanine.
Molecular consequence: missense variant.
Genome position (GRCh38, 1-based): chr1:23,019,882, C>G. VCF-style: chr1-23019882-C-G. GRCh37 (hg19) VCF-style: chr1-23346375-C-G.
Other names: c.286C>G, p.Pro96Ala (NM_001363654.2, NM_001410762.1, NM_001410763.1 and 1 more transcripts); short protein forms P96A.
Identifiers: ClinVar variation 3863228 (VCV003863228.1).